The following is an entry in ClinVar:

GRCh38/hg38 1q42.13-44(chr1:230178121-243646135)x1

Genes: ACTN2 (actinin alpha 2; plus strand), AGT (angiotensinogen; minus strand), AKT3 (AKT serine/threonine kinase 3; minus strand), ARID4B (AT-rich interaction domain 4B; minus strand), ARV1 (ARV1 homolog, fatty acid homeostasis modulator; plus strand) and 366 more. Cytogenetic location: 1q42.13-44.
Variant type: copy number loss.
Change: copy number 1 (one copy instead of two) of chr1:230,178,121-243,646,135 (13.47 Mb, GRCh38 coordinates, 1-based), cytogenetic band 1q42.13-44.
Identifiers: ClinVar variation 2579289 (VCV002579289.1).

ClinVar aggregate classification (germline): Pathogenic (1 of 4 stars; one submission).

Conditions:
Megalencephaly-polymicrogyria-polydactyly-hydrocephalus syndrome 2 (MPPH2). Also called: MEGALENCEPHALY-POLYMICROGYRIA-POLYDACTYLY-HYDROCEPHALUS SYNDROME 2, SOMATIC. Identifiers: Orphanet 83473, MedGen C4014738, MONDO:0014407, OMIM 615937.

Submission:

Broad Center for Mendelian Genomics, Broad Institute of MIT and Harvard
Classification: Pathogenic for Megalencephaly-polymicrogyria-polydactyly-hydrocephalus syndrome 2. Last evaluated: 2023-08-24. Review status: criteria provided, single submitter. Criteria: ACMG/ClinGen CNV Guidelines, 2019. Collection method: research. Allele origin: de novo. Inheritance: Autosomal dominant inheritance. Affected: yes.
Comment: These breakpoints have been estimated by exome sequencing only and therefore may not reflect the true breakpoints. The patient phenotype is nonspecific, but is consistent with cases described in the literature and/or published databases with overlapping variants. A deletion with similar genetic overlap has been reported (Variation ID: 57387) and has been interpreted as likely pathogenic by ISCA site 4. There is complete overlap with the FH gene and 1q43q44 terminal region which are known to be haploinsufficient and have been assessed by the ClinGen Dosage Sensitivity Working Group. In summary, the 1q42q-q44 deletion meets criteria to be classified as pathogenic. The ACMG/ClinGen evidence codes and points used in this curation are as follows: 1: 0 points, 2: 1.00 points, 3: 0.90 points, 4-5: 0.15 points; Total: 2.05 points; Riggs 2020 (PMID: 31690835)